The following is an entry in ClinVar:

NM_006231.4(POLE):c.2114G>A (p.Arg705Gln)

Gene: POLE (DNA polymerase epsilon, catalytic subunit; minus strand). Cytogenetic location: 12q24.33.
Variant type: single nucleotide variant.
Coding change: c.2114G>A on transcript NM_006231.4 (MANE Select); coding-DNA position 2114, G replaced by A.
Protein change: p.Arg705Gln; replaces arginine 705 with glutamine.
Molecular consequence: missense variant.
Genome position (GRCh38, 1-based): chr12:132,668,415, C>T on the plus strand (G>A on the coding strand, the complement: POLE is on the minus strand). VCF-style: chr12-132668415-C-T. GRCh37 (hg19) VCF-style: chr12-133245001-C-T.
Other names: c.2114G>A (NM_006231.2); short protein forms R705Q.
Identifiers: ClinVar variation 405592 (VCV000405592.13), dbSNP rs773738016, ClinGen allele CA6893675.

ClinVar aggregate classification (germline): Uncertain significance. Review status: criteria provided, multiple submitters, no conflicts (2 of 4 stars). 4 submissions from 4 submitters: Uncertain significance (4). Last evaluated 2025-12-29.

Conditions:
Colorectal cancer, susceptibility to, 12 (CRCS12). Also called: COLORECTAL CANCER, SUSCEPTIBILITY TO, ON CHROMOSOME 12q24. Identifiers: Orphanet 220460, MedGen C3554460, MONDO:0014038, OMIM 615083.
Diffuse midline glioma, H3 K27-altered. Identifiers: MedGen C5669877, MONDO:1060171.
Hereditary cancer-predisposing syndrome. Also called: Hereditary Cancer Syndrome; Hereditary neoplastic syndrome; Neoplastic Syndromes, Hereditary; Tumor predisposition. Identifiers: Orphanet 140162, MedGen C0027672, MeSH D009386, MONDO:0015356.

Allele frequency attached by ClinVar (database versions not stated): gnomAD 0.00001; TOPMed 0.00001; ExAC 0.00002; gnomAD exomes 0.00002.

Submissions (4):

Labcorp Genetics (formerly Invitae), Labcorp
Classification: Uncertain significance. Last evaluated: 2025-12-29. Review status: criteria provided, single submitter. Criteria: Invitae Variant Classification Sherloc (09022015). Collection method: clinical testing. Allele origin: germline.
Comment: This sequence change replaces arginine, which is basic and polar, with glutamine, which is neutral and polar, at codon 705 of the POLE protein (p.Arg705Gln). This variant is present in population databases (rs773738016, gnomAD 0.02%). This variant has not been reported in the literature in individuals affected with POLE-related conditions. ClinVar contains an entry for this variant (Variation ID: 405592). Invitae Evidence Modeling of protein sequence and biophysical properties (such as structural, functional, and spatial information, amino acid conservation, physicochemical variation, residue mobility, and thermodynamic stability) indicates that this missense variant is not expected to disrupt POLE protein function with a negative predictive value of 80%. In summary, the available evidence is currently insufficient to determine the role of this variant in disease. Therefore, it has been classified as a Variant of Uncertain Significance.

Ambry Genetics
Classification: Uncertain significance for Hereditary cancer-predisposing syndrome. Last evaluated: 2025-01-17. Review status: criteria provided, single submitter. Criteria: Ambry Variant Classification Scheme 2023. Collection method: clinical testing. Allele origin: germline.
Comment: The p.R705Q variant (also known as c.2114G>A), located in coding exon 19 of the POLE gene, results from a G to A substitution at nucleotide position 2114. The arginine at codon 705 is replaced by glutamine, an amino acid with highly similar properties. This amino acid position is highly conserved in available vertebrate species. In addition, the in silico prediction for this alteration is inconclusive. Based on the available evidence, the clinical significance of this variant remains unclear.

MGZ Medical Genetics Center
Classification: Uncertain significance for Colorectal cancer, susceptibility to, 12. Last evaluated: 2022-03-28. Review status: criteria provided, single submitter. Criteria: ACMG Guidelines, 2015. Collection method: clinical testing. Allele origin: germline. Affected: yes. Observed: 1 variant allele.
Comment: ACMG criteria applied: PM2_SUP, BP4

Laboratory of Medical Genetics Unit, Bambino Gesù Children's Hospital
Classification: Uncertain significance for Diffuse midline glioma, H3 K27-altered. Last evaluated: 2021-10-19. Review status: criteria provided, single submitter. Criteria: ACMG Guidelines, 2015. Collection method: research. Allele origin: germline. Affected: yes. Observed: 1 heterozygote.